The following is an entry in ClinVar:

ClinVar aggregate classification (germline): Uncertain significance. Review status: criteria provided, multiple submitters, no conflicts (2 of 4 stars). 2 submissions from 2 submitters: Uncertain significance (2). Last evaluated 2025-03-03.

Submissions (2):

Women's Health and Genetics/Laboratory Corporation of America, LabCorp
Classification: Uncertain significance. Last evaluated: 2025-03-03. Review status: criteria provided, single submitter. Criteria: LabCorp Variant Classification Summary - May 2015. Collection method: clinical testing. Allele origin: germline.
Comment: Variant summary: ABCA3 c.4411A>G (p.Met1471Val) results in a conservative amino acid change in the encoded protein sequence. Four of five in-silico tools predict a damaging effect of the variant on protein function. The variant allele was found at a frequency of 1.2e-05 in 250756 control chromosomes (gnomAD). The available data on variant occurrences in the general population are insufficient to allow any conclusion about variant significance. c.4411A>G has been reported in the literature in at least an individual affected with Pulmonary surfactant metabolism dysfunction (example: Wambach_2014). These data do not allow any conclusion about variant significance. To our knowledge, no experimental evidence demonstrating an impact on protein function has been reported. The following publication has been ascertained in the context of this evaluation (PMID: 24871971). No submitters have cited clinical-significance assessments for this variant to ClinVar. Based on the evidence outlined above, the variant was classified as uncertain significance.

Blueprint Genetics
Classification: Uncertain significance. Last evaluated: 2020-02-18. Review status: criteria provided, single submitter. Criteria: ACMG Guidelines, 2015. Collection method: clinical testing. Allele origin: germline.

Literature cited by the submitters: PubMed 24871971 (cited by Women's Health and Genetics/Laboratory Corporation of America, LabCorp).

NM_001089.3(ABCA3):c.4411A>G (p.Met1471Val)

Gene: ABCA3 (ATP binding cassette subfamily A member 3; minus strand). Cytogenetic location: 16p13.3.
Variant type: single nucleotide variant.
Coding change: c.4411A>G on transcript NM_001089.3 (MANE Select); coding-DNA position 4411, A replaced by G.
Protein change: p.Met1471Val; replaces methionine 1471 with valine.
Molecular consequence: missense variant.
Genome position (GRCh38, 1-based): chr16:2,279,079, T>C on the plus strand (A>G on the coding strand, the complement: ABCA3 is on the minus strand). VCF-style: chr16-2279079-T-C. GRCh37 (hg19) VCF-style: chr16-2329080-T-C.
Other names: short protein forms M1471V.
Identifiers: ClinVar variation 3895881 (VCV003895881.2).